The following is an entry in ClinVar:

NM_001042545.2(LTBP4):c.2176G>C (p.Glu726Gln)

Gene: LTBP4 (latent transforming growth factor beta binding protein 4; plus strand). Cytogenetic location: 19q13.2.
Variant type: single nucleotide variant.
Coding change: c.2176G>C on transcript NM_001042545.2 (MANE Select); coding-DNA position 2176, G replaced by C.
Protein change: p.Glu726Gln; replaces glutamic acid 726 with glutamine.
Molecular consequence: missense variant.
Genome position (GRCh38, 1-based): chr19:40,611,981, G>C. VCF-style: chr19-40611981-G-C. GRCh37 (hg19) VCF-style: chr19-41117887-G-C.
Other names: c.2377G>C, p.Glu793Gln (NM_001042544.1); c.2266G>C, p.Glu756Gln (NM_003573.2); short protein forms E726Q, E756Q, E793Q.
Identifiers: ClinVar variation 808585 (VCV000808585.50), dbSNP rs199691160, ClinGen allele CA9448547.

ClinVar aggregate classification (germline): Uncertain significance. Review status: criteria provided, multiple submitters, no conflicts (2 of 4 stars). 5 submissions from 5 submitters: Uncertain significance (5). Last evaluated 2025-06-01.

Conditions:
Cutis laxa with severe pulmonary, gastrointestinal and urinary anomalies. Also called: LTBP4-Related Cutis Laxa; URBAN-RIFKIN-DAVIS SYNDROME; Cutis laxa, autosomal recessive, type IC. Identifiers: Orphanet 221145, MedGen C2750804, MONDO:0013170, OMIM 613177. Disease mechanism: loss of function.

Allele frequency attached by ClinVar (database versions not stated): ESP Exome Variant Server 0.00032; TOPMed 0.00012; gnomAD 0.00013; ExAC 0.00014.
gnomAD v4.1: 128 of 1,611,920 alleles (0.0079%); highest among the groups gnomAD compares: Non-Finnish European, 0.0044%; no homozygotes.

Submissions (5):

CeGaT Center for Human Genetics Tuebingen
Classification: Uncertain significance. Last evaluated: 2025-06-01. Review status: criteria provided, single submitter. Criteria: CeGaT Center For Human Genetics Tuebingen Variant Classification Criteria Version 2. Collection method: clinical testing. Allele origin: germline. Affected: yes. Observed: 2 variant alleles.
Comment: LTBP4: PM2, BP4

GeneDx
Classification: Uncertain significance. Last evaluated: 2024-05-24. Review status: criteria provided, single submitter. Criteria: GeneDx Variant Classification Process June 2021. Collection method: clinical testing. Allele origin: germline. Affected: yes.
Comment: In silico analysis indicates that this missense variant does not alter protein structure/function; Has not been previously published as pathogenic or benign to our knowledge

Labcorp Genetics (formerly Invitae), Labcorp
Classification: Uncertain significance. Last evaluated: 2024-01-29. Review status: criteria provided, single submitter. Criteria: Invitae Variant Classification Sherloc (09022015). Collection method: clinical testing. Allele origin: germline.
Comment: This sequence change replaces glutamic acid, which is acidic and polar, with glutamine, which is neutral and polar, at codon 756 of the LTBP4 protein (p.Glu756Gln). This variant is present in population databases (rs199691160, gnomAD 0.2%). This variant has not been reported in the literature in individuals affected with LTBP4-related conditions. ClinVar contains an entry for this variant (Variation ID: 808585). Experimental studies and prediction algorithms are not available or were not evaluated, and the functional significance of this variant is currently unknown. In summary, the available evidence is currently insufficient to determine the role of this variant in disease. Therefore, it has been classified as a Variant of Uncertain Significance.

Women's Health and Genetics/Laboratory Corporation of America, LabCorp
Classification: Uncertain significance. Last evaluated: 2023-05-05. Review status: criteria provided, single submitter. Criteria: LabCorp Variant Classification Summary - May 2015. Collection method: clinical testing. Allele origin: germline.

Fulgent Genetics
Classification: Uncertain significance for Cutis laxa with severe pulmonary, gastrointestinal and urinary anomalies. Last evaluated: 2022-02-14. Review status: criteria provided, single submitter. Criteria: ACMG Guidelines, 2015. Collection method: clinical testing. Allele origin: unknown.